The following is an entry in ClinVar:

NM_022336.4(EDAR):c.961G>A (p.Gly321Arg)

Genes: EDAR (ectodysplasin A receptor; minus strand), RANBP2 (RAN binding protein 2; plus strand). Cytogenetic location: 2q13.
Variant type: single nucleotide variant.
Coding change: c.961G>A on transcript NM_022336.4 (MANE Select); coding-DNA position 961, G replaced by A.
Protein change: p.Gly321Arg; replaces glycine 321 with arginine.
Molecular consequence: missense variant.
Genome position (GRCh38, 1-based): chr2:108,907,862, C>T on the plus strand (G>A on the coding strand, the complement: EDAR is on the minus strand). VCF-style: chr2-108907862-C-T. GRCh37 (hg19) VCF-style: chr2-109524318-C-T.
Other names: c.961G>A (NM_022336.3); short protein forms G321R.
Identifiers: ClinVar variation 2924829 (VCV002924829.4), dbSNP rs571016790, ClinGen allele CA1824884.

ClinVar aggregate classification (germline): Uncertain significance. Review status: criteria provided, multiple submitters, no conflicts (2 of 4 stars). 2 submissions from 2 submitters: Uncertain significance (2). Last evaluated 2025-08-11.

Conditions:
Inborn genetic diseases. Identifiers: MedGen C0950123, MeSH D030342.
Ectodermal dysplasia 10A, hypohidrotic/hair/nail type, autosomal dominant (ECTD10A). Also called: Ectodermal Dysplasia 3, Anhidrotic. Identifiers: Orphanet 1810, Orphanet 238468, MedGen C3888065, MONDO:0007509, OMIM 129490.
Autosomal recessive hypohidrotic ectodermal dysplasia syndrome. Also called: Autosomal recessive hypohidrotic ectodermal dysplasia. Identifiers: Orphanet 248, MedGen C0406702, MONDO:0016619.

Allele frequency attached by ClinVar (database versions not stated): TOPMed 0.00004; gnomAD 0.00005; ExAC 0.00012; 1000 Genomes Project 30x 0.00047; 1000 Genomes Project 0.00060.
gnomAD v4.1: 82 of 1,613,480 alleles (0.0051%); highest among the groups gnomAD compares: South Asian, 0.066%; no homozygotes.

Submissions (2):

Ambry Genetics
Classification: Uncertain significance for Inborn genetic diseases. Last evaluated: 2025-08-11. Review status: criteria provided, single submitter. Criteria: Ambry Variant Classification Scheme 2023. Collection method: clinical testing. Allele origin: germline.

Labcorp Genetics (formerly Invitae), Labcorp
Classification: Uncertain significance for Ectodermal dysplasia 10A, hypohidrotic/hair/nail type, autosomal dominant; Autosomal recessive hypohidrotic ectodermal dysplasia syndrome. Last evaluated: 2023-09-27. Review status: criteria provided, single submitter. Criteria: Invitae Variant Classification Sherloc (09022015). Collection method: clinical testing. Allele origin: germline.
Comment: This sequence change replaces glycine, which is neutral and non-polar, with arginine, which is basic and polar, at codon 321 of the EDAR protein (p.Gly321Arg). This variant is present in population databases (rs571016790, gnomAD 0.08%). This variant has not been reported in the literature in individuals affected with EDAR-related conditions. An algorithm developed to predict the effect of missense changes on protein structure and function (PolyPhen-2) suggests that this variant is likely to be disruptive. In summary, the available evidence is currently insufficient to determine the role of this variant in disease. Therefore, it has been classified as a Variant of Uncertain Significance.